The following is an entry in ClinVar:

NM_000059.4(BRCA2):c.3920A>G (p.Glu1307Gly)

Gene: BRCA2 (BRCA2 DNA repair associated; plus strand). Cytogenetic location: 13q13.1.
Variant type: single nucleotide variant.
Coding change: c.3920A>G on transcript NM_000059.4 (MANE Select); coding-DNA position 3920, A replaced by G.
Protein change: p.Glu1307Gly; replaces glutamic acid 1307 with glycine.
Molecular consequence: missense variant.
Genome position (GRCh38, 1-based): chr13:32,338,275, A>G. VCF-style: chr13-32338275-A-G. GRCh37 (hg19) VCF-style: chr13-32912412-A-G.
Other names: short protein forms E1307G.
Identifiers: ClinVar variation 824383 (VCV000824383.6), dbSNP rs1593900916, ClinGen allele CA387778824.

ClinVar aggregate classification (germline): Conflicting classifications of pathogenicity. Review status: criteria provided, conflicting classifications (1 of 4 stars). 2 submissions from 2 submitters: Uncertain significance (1); Likely benign (1). Last evaluated 2023-03-23.

Conditions:
Hereditary cancer-predisposing syndrome. Also called: Neoplastic Syndromes, Hereditary; Tumor predisposition; Hereditary neoplastic syndrome; Hereditary Cancer Syndrome. Identifiers: Orphanet 140162, MedGen C0027672, MeSH D009386, MONDO:0015356.

Submissions (2):

University of Washington Department of Laboratory Medicine, University of Washington
Classification: Likely benign for Hereditary cancer-predisposing syndrome. Last evaluated: 2023-03-23. Review status: criteria provided, single submitter. Criteria: Dines et al. (Genet Med. 2020). Collection method: curation. Allele origin: germline.
Comment: Missense variant in a coldspot region where missense variants are very unlikely to be pathogenic (PMID:31911673).

BRCA2 exon 11 coldspot. Reclassification based on statistical prior probability.

Ambry Genetics
Classification: Uncertain significance for Hereditary cancer-predisposing syndrome. Last evaluated: 2018-09-25. Review status: criteria provided, single submitter. Criteria: Ambry Variant Classification Scheme 2023. Collection method: clinical testing. Allele origin: germline.
Comment: The p.E1307G variant (also known as c.3920A>G), located in coding exon 10 of the BRCA2 gene, results from an A to G substitution at nucleotide position 3920. The glutamic acid at codon 1307 is replaced by glycine, an amino acid with similar properties. This amino acid position is not well conserved in available vertebrate species. In addition, this alteration is predicted to be tolerated by in silico analysis. Since supporting evidence is limited at this time, the clinical significance of this alteration remains unclear.